The following is an entry in ClinVar:

NM_001171613.2(PREPL):c.1475T>A (p.Leu492Ter)

Gene: PREPL (prolyl endopeptidase like; minus strand). Cytogenetic location: 2p21.
Variant type: single nucleotide variant.
Coding change: c.1475T>A on transcript NM_001171613.2 (MANE Select); coding-DNA position 1475, T replaced by A.
Protein change: p.Leu492Ter; replaces leucine 492 with a stop codon.
Molecular consequence: nonsense.
Genome position (GRCh38, 1-based): chr2:44,326,716, A>T on the plus strand (T>A on the coding strand, the complement: PREPL is on the minus strand). VCF-style: chr2-44326716-A-T. GRCh37 (hg19) VCF-style: chr2-44553855-A-T.
Other names: c.1556T>A, p.Leu519Ter (NM_001042385.2); c.1544T>A, p.Leu515Ter (NM_001042386.2); c.1742T>A, p.Leu581Ter (NM_001171603.1, NM_001171606.2, NM_001374275.1 and 2 more transcripts); c.1475T>A, p.Leu492Ter (NM_001171617.1, NM_001374277.1); short protein forms L515*, L519*, L492*, L581*.
Identifiers: ClinVar variation 3715924 (VCV003715924.2).

ClinVar aggregate classification (germline): Pathogenic (1 of 4 stars; one submission).

Conditions:
Myasthenic syndrome, congenital, 22 (CMS22). Also called: PREPL DEFICIENCY. Identifiers: MedGen C4479088, MONDO:0044299, OMIM 616224.

gnomAD v4.1: 2 of 1,612,912 alleles (0.00012%); highest among the groups gnomAD compares: African/African-American, 0.0013%; no homozygotes.

Submission:

Labcorp Genetics (formerly Invitae), Labcorp
Classification: Pathogenic for Myasthenic syndrome, congenital, 22. Last evaluated: 2025-07-03. Review status: criteria provided, single submitter. Criteria: Invitae Variant Classification Sherloc (09022015). Collection method: clinical testing. Allele origin: germline.
Comment: This sequence change creates a premature translational stop signal (p.Leu581*) in the PREPL gene. It is expected to result in an absent or disrupted protein product. Loss-of-function variants in PREPL are known to be pathogenic (PMID: 24610330, 28726805, 29913539). This variant is not present in population databases (gnomAD no frequency). This variant has not been reported in the literature in individuals affected with PREPL-related conditions. ClinVar contains an entry for this variant (Variation ID: 3715924). For these reasons, this variant has been classified as Pathogenic.

Literature cited by the submitters: PubMed 24610330; PubMed 28726805; PubMed 29913539.